The following is an entry in ClinVar:

NM_000053.4(ATP7B):c.3625C>T (p.Leu1209=)

Gene: ATP7B (ATPase copper transporting beta; minus strand). Cytogenetic location: 13q14.3.
Variant type: single nucleotide variant.
Coding change: c.3625C>T on transcript NM_000053.4 (MANE Select); coding-DNA position 3625, C replaced by T.
Protein change: p.Leu1209=; no amino-acid change (leucine 1209 retained).
Molecular consequence: synonymous variant.
Genome position (GRCh38, 1-based): chr13:51,939,125, G>A on the plus strand (C>T on the coding strand, the complement: ATP7B is on the minus strand). VCF-style: chr13-51939125-G-A. GRCh37 (hg19) VCF-style: chr13-52513261-G-A.
Other names: c.3004C>T, p.Leu1002= (NM_001005918.3); c.3292C>T, p.Leu1098= (NM_001243182.2); c.3391C>T, p.Leu1131= (NM_001330578.2); c.3373C>T, p.Leu1125= (NM_001330579.2).
Identifiers: ClinVar variation 882913 (VCV000882913.16), dbSNP rs61957448, ClinGen allele CA6988618.

ClinVar aggregate classification (germline): Conflicting classifications of pathogenicity. Review status: criteria provided, conflicting classifications (1 of 4 stars). 4 submissions from 4 submitters: Uncertain significance (1); Likely benign (3). Last evaluated 2024-07-29.

Conditions:
Wilson disease (WND). Also called: Wilson's disease. Identifiers: Orphanet 905, MedGen C0019202, MONDO:0010200, OMIM 277900. Disease mechanism: loss of function.

Allele frequency attached by ClinVar (database versions not stated): TOPMed below 0.00001; ExAC 0.00001; gnomAD 0.00001; gnomAD exomes 0.00001.
gnomAD v4.1: 10 of 1,614,106 alleles (0.00062%); highest among the groups gnomAD compares: Non-Finnish European, 0.00085%; no homozygotes.

Submissions (4):

All of Us Research Program, National Institutes of Health
Classification: Likely benign for Wilson disease. Last evaluated: 2024-07-29. Review status: criteria provided, single submitter. Criteria: ACMG Guidelines, 2015. Collection method: clinical testing. Allele origin: germline. Inheritance: Autosomal recessive inheritance. Observed: 1 variant allele, 1 heterozygote.
Comment: This study involves interpretation of variants in research participants for the purpose of population health screening. Participant phenotype was not available at the time of variant classification. Additional details can be found in publication PMID: 35346344, PMCID: PMC8962531

Labcorp Genetics (formerly Invitae), Labcorp
Classification: Likely benign for Wilson disease. Last evaluated: 2023-12-01. Review status: criteria provided, single submitter. Criteria: Invitae Variant Classification Sherloc (09022015). Collection method: clinical testing. Allele origin: germline.

Genome-Nilou Lab
Classification: Likely benign for Wilson disease. Last evaluated: 2021-08-10. Review status: criteria provided, single submitter. Criteria: ACMG Guidelines, 2015. Collection method: clinical testing. Allele origin: germline. Affected: no.

Illumina Laboratory Services, Illumina
Classification: Uncertain significance for Wilson disease. Last evaluated: 2018-01-13. Review status: criteria provided, single submitter. Criteria: ICSL Variant Classification Criteria 13 December 2019. Collection method: clinical testing. Allele origin: germline.